The following is an entry in ClinVar:

NM_018051.5(DYNC2I1):c.2146A>T (p.Thr716Ser)

Gene: DYNC2I1 (dynein 2 intermediate chain 1; plus strand). Cytogenetic location: 7q36.3.
Variant type: single nucleotide variant.
Coding change: c.2146A>T on transcript NM_018051.5 (MANE Select); coding-DNA position 2146, A replaced by T.
Protein change: p.Thr716Ser; replaces threonine 716 with serine.
Molecular consequence: missense variant.
Genome position (GRCh38, 1-based): chr7:158,923,622, A>T. VCF-style: chr7-158923622-A-T. GRCh37 (hg19) VCF-style: chr7-158716313-A-T.
Other names: c.2008A>T, p.Thr670Ser (NM_001350914.2); c.1573A>T, p.Thr525Ser (NM_001350915.2); c.685A>T, p.Thr229Ser (NM_001350916.2); c.898A>T, p.Thr300Ser (NM_001350917.2, NM_001350918.2); short protein forms T300S, T525S, T716S, T229S, T670S.
Identifiers: ClinVar variation 1984743 (VCV001984743.4), dbSNP rs1849312414, ClinGen allele CA370178654.

ClinVar aggregate classification (germline): Uncertain significance (1 of 4 stars; one submission).

Conditions:
Short-rib thoracic dysplasia 8 with or without polydactyly (SRTD8). Also called: SHORT-RIB THORACIC DYSPLASIA 8 WITH POLYDACTYLY. Identifiers: Orphanet 93271, MedGen C3809691, MONDO:0014214, OMIM 615503.

Allele frequency attached by ClinVar (database versions not stated): TOPMed 0.00001.

Submission:

Labcorp Genetics (formerly Invitae), Labcorp
Classification: Uncertain significance for Short-rib thoracic dysplasia 8 with or without polydactyly. Last evaluated: 2022-04-04. Review status: criteria provided, single submitter. Criteria: Invitae Variant Classification Sherloc (09022015). Collection method: clinical testing. Allele origin: germline.
Comment: This sequence change replaces threonine, which is neutral and polar, with serine, which is neutral and polar, at codon 716 of the WDR60 protein (p.Thr716Ser). This variant is not present in population databases (gnomAD no frequency). This variant has not been reported in the literature in individuals affected with WDR60-related conditions. Algorithms developed to predict the effect of missense changes on protein structure and function (SIFT, PolyPhen-2, Align-GVGD) all suggest that this variant is likely to be tolerated. In summary, the available evidence is currently insufficient to determine the role of this variant in disease. Therefore, it has been classified as a Variant of Uncertain Significance.